The following is an entry in ClinVar:

NM_018136.5(ASPM):c.780T>G (p.Asn260Lys)

Gene: ASPM (assembly factor for spindle microtubules; minus strand). Cytogenetic location: 1q31.3.
Variant type: single nucleotide variant.
Coding change: c.780T>G on transcript NM_018136.5 (MANE Select); coding-DNA position 780, T replaced by G.
Protein change: p.Asn260Lys; replaces asparagine 260 with lysine.
Molecular consequence: missense variant.
Genome position (GRCh38, 1-based): chr1:197,143,472, A>C on the plus strand (T>G on the coding strand, the complement: ASPM is on the minus strand). VCF-style: chr1-197143472-A-C. GRCh37 (hg19) VCF-style: chr1-197112602-A-C.
Other names: c.780T>G, p.Asn260Lys (NM_001206846.2); short protein forms N260K.
Identifiers: ClinVar variation 1918118 (VCV001918118.5), dbSNP rs775612542, ClinGen allele CA1310812.
Genomic context (GRCh38, chr1:197,143,472, plus strand): 5'-GGAAGTTTCAGTTACAGCTTTCTCATTAAAAGAAACTTTTGAAACGTTGGCACTGTGTAC[A>C]TTTAATAGTTCCCTATTTTCTGATGCATGAAGAGATGAGTAGGTAGTAGATCGACGTACA-3'
Protein context (NP_060606.3, residues 250-270): LHASENRELL[Asn260Lys]VHSANVSKVS

ClinVar aggregate classification (germline): Uncertain significance (1 of 4 stars; one submission).

Allele frequency attached by ClinVar (database versions not stated): gnomAD exomes below 0.00001; ExAC 0.00001; TOPMed 0.00001.

Submission:

Labcorp Genetics (formerly Invitae), Labcorp
Classification: Uncertain significance. Last evaluated: 2022-04-02. Review status: criteria provided, single submitter. Criteria: Invitae Variant Classification Sherloc (09022015). Collection method: clinical testing. Allele origin: germline.
Comment: This variant has not been reported in the literature in individuals affected with ASPM-related conditions. In summary, the available evidence is currently insufficient to determine the role of this variant in disease. Therefore, it has been classified as a Variant of Uncertain Significance. Algorithms developed to predict the effect of sequence changes on RNA splicing suggest that this variant may create or strengthen a splice site. Algorithms developed to predict the effect of missense changes on protein structure and function output the following: SIFT: "Tolerated"; PolyPhen-2: "Benign"; Align-GVGD: "Class C0". The lysine amino acid residue is found in multiple mammalian species, which suggests that this missense change does not adversely affect protein function. This variant is present in population databases (rs775612542, gnomAD 0.003%). This sequence change replaces asparagine, which is neutral and polar, with lysine, which is basic and polar, at codon 260 of the ASPM protein (p.Asn260Lys).